The following is an entry in ClinVar:

ClinVar aggregate classification (germline): Uncertain significance (1 of 4 stars; one submission).

Submission:

Labcorp Genetics (formerly Invitae), Labcorp
Classification: Uncertain significance. Last evaluated: 2022-04-24. Review status: criteria provided, single submitter. Criteria: Invitae Variant Classification Sherloc (09022015). Collection method: clinical testing. Allele origin: germline.
Comment: In summary, the available evidence is currently insufficient to determine the role of this variant in disease. Therefore, it has been classified as a Variant of Uncertain Significance. Algorithms developed to predict the effect of missense changes on protein structure and function are either unavailable or do not agree on the potential impact of this missense change (SIFT: "Tolerated"; PolyPhen-2: "Not Available"; Align-GVGD: "Class C0"). This variant has not been reported in the literature in individuals affected with PTPN23-related conditions. This variant is not present in population databases (gnomAD no frequency). This sequence change replaces aspartic acid, which is acidic and polar, with asparagine, which is neutral and polar, at codon 451 of the PTPN23 protein (p.Asp451Asn).

NM_015466.4(PTPN23):c.1351G>A (p.Asp451Asn)

Gene: PTPN23 (protein tyrosine phosphatase non-receptor type 23; plus strand). Cytogenetic location: 3p21.31.
Variant type: single nucleotide variant.
Coding change: c.1351G>A on transcript NM_015466.4 (MANE Select); coding-DNA position 1351, G replaced by A.
Protein change: p.Asp451Asn; replaces aspartic acid 451 with asparagine.
Molecular consequence: missense variant.
Genome position (GRCh38, 1-based): chr3:47,408,796, G>A. VCF-style: chr3-47408796-G-A. GRCh37 (hg19) VCF-style: chr3-47450286-G-A.
Other names: c.973G>A, p.Asp325Asn (NM_001304482.2); short protein forms D451N, D325N.
Identifiers: ClinVar variation 2126976 (VCV002126976.4), dbSNP rs2546246200, ClinGen allele CA352553201.